The following is an entry in ClinVar:

NM_001048174.2(MUTYH):c.1330G>C (p.Gly444Arg)

Gene: MUTYH (mutY DNA glycosylase; minus strand). Cytogenetic location: 1p34.1.
Variant type: single nucleotide variant.
Coding change: c.1330G>C on transcript NM_001048174.2 (MANE Select); coding-DNA position 1330, G replaced by C.
Protein change: p.Gly444Arg; replaces glycine 444 with arginine.
Molecular consequence: missense variant. On other transcripts: non-coding transcript variant (2).
Genome position (GRCh38, 1-based): chr1:45,331,244, C>G on the plus strand (G>C on the coding strand, the complement: MUTYH is on the minus strand). VCF-style: chr1-45331244-C-G. GRCh37 (hg19) VCF-style: chr1-45796916-C-G.
Other names: c.1330G>C, p.Gly444Arg (NM_001048171.2, NM_001048173.2, NM_001293195.2); c.1333G>C, p.Gly445Arg (NM_001048172.2); c.1414G>C, p.Gly472Arg (NM_001128425.2); c.1375G>C, p.Gly459Arg (NM_001293190.2); c.1363G>C, p.Gly455Arg (NM_001293191.2); c.1054G>C, p.Gly352Arg (NM_001293192.2, NM_001293196.2); c.985G>C, p.Gly329Arg (NM_001350650.2, NM_001350651.2); c.1405G>C, p.Gly469Arg (NM_012222.3); short protein forms G472R, G459R, G329R, G352R, G445R, G455R, G469R, G444R.
Identifiers: ClinVar variation 186417 (VCV000186417.19), dbSNP rs758262369, ClinGen allele CA012731.
Genomic context (GRCh38, chr1:45,331,244, plus strand): 5'-TTTTCATGGCGGTGGAAACAGCTGCGGTGTGAAATTCCTCCTGCGTCAGCCAGCGAGCAC[C>G]TGGTGGTACGGTGGTCACTGGGGTCTGCCCTTCCAAGGCCAGCCCATATACTTGATATGT-3'
Protein context (NP_001041639.1, residues 434-454): GQTPVTTVPP[Gly444Arg]ARWLTQEEFH

ClinVar aggregate classification (germline): Conflicting classifications of pathogenicity. Review status: criteria provided, conflicting classifications (1 of 4 stars). 5 submissions from 5 submitters: Uncertain significance (4); Likely benign (1). Last evaluated 2025-09-09.

Conditions:
Hereditary cancer-predisposing syndrome. Also called: Neoplastic Syndromes, Hereditary; Tumor predisposition; Hereditary Cancer Syndrome; Hereditary neoplastic syndrome. Identifiers: Orphanet 140162, MedGen C0027672, MeSH D009386, MONDO:0015356.
Familial adenomatous polyposis 2. Also called: Adenomas, multiple colorectal; COLORECTAL ADENOMATOUS POLYPOSIS, AUTOSOMAL RECESSIVE; ADENOMAS, MULTIPLE COLORECTAL, AUTOSOMAL RECESSIVE; MYH-associated polyposis; MUTYH Polyposis; FAP type 2. Identifiers: Orphanet 220460, Orphanet 247798, MedGen C3272841, MONDO:0012041, OMIM 608456.

Allele frequency attached by ClinVar (database versions not stated): ExAC 0.00002.
gnomAD v4.1: 4 of 1,614,228 alleles (0.00025%); highest among the groups gnomAD compares: Middle Eastern, 0.016%; no homozygotes.

Submissions (5):

Ambry Genetics
Classification: Likely benign for Hereditary cancer-predisposing syndrome. Last evaluated: 2025-09-09. Review status: criteria provided, single submitter. Criteria: Ambry Variant Classification Scheme 2023. Collection method: clinical testing. Allele origin: germline.

Labcorp Genetics (formerly Invitae), Labcorp
Classification: Uncertain significance for Familial adenomatous polyposis 2. Last evaluated: 2025-08-13. Review status: criteria provided, single submitter. Criteria: Invitae Variant Classification Sherloc (09022015). Collection method: clinical testing. Allele origin: germline.
Comment: This sequence change replaces glycine, which is neutral and non-polar, with arginine, which is basic and polar, at codon 472 of the MUTYH protein (p.Gly472Arg). This variant is present in population databases (rs758262369, gnomAD 0.006%), including at least one homozygous and/or hemizygous individual. This variant has not been reported in the literature in individuals affected with MUTYH-related conditions. ClinVar contains an entry for this variant (Variation ID: 186417). An algorithm developed to predict the effect of missense changes on protein structure and function (PolyPhen-2) suggests that this variant is likely to be disruptive. In summary, the available evidence is currently insufficient to determine the role of this variant in disease. Therefore, it has been classified as a Variant of Uncertain Significance.

Color Diagnostics, LLC DBA Color Health
Classification: Uncertain significance for Hereditary cancer-predisposing syndrome. Last evaluated: 2025-07-08. Review status: criteria provided, single submitter. Criteria: ACMG Guidelines, 2015. Collection method: clinical testing. Allele origin: germline.
Comment: This missense variant replaces glycine with arginine at codon 472 of the MUTYH protein. Computational prediction is inconclusive regarding the impact of this variant on protein structure and function. To our knowledge, functional studies have not been reported for this variant. This variant has not been reported in individuals affected with MUTYH-related disorders in the literature. This variant has been identified in 1/251494 chromosomes in the general population by the Genome Aggregation Database (gnomAD). The available evidence is insufficient to determine the role of this variant in disease conclusively. Therefore, this variant is classified as a Variant of Uncertain Significance.

Center for Genomic Medicine, Rigshospitalet, Copenhagen University Hospital
Classification: Uncertain significance. Last evaluated: 2025-03-04. Review status: criteria provided, single submitter. Criteria: ACMG Guidelines, 2015. Collection method: clinical testing. Allele origin: germline.

Quest Diagnostics Nichols Institute San Juan Capistrano
Classification: Uncertain significance. Last evaluated: 2020-07-19. Review status: criteria provided, single submitter. Criteria: Quest Diagnostics criteria. Collection method: clinical testing. Allele origin: unknown.

Literature cited by the submitters: PubMed 40738107 (cited by Ambry Genetics).